The following is an entry in ClinVar:

NM_000548.5(TSC2):c.2570A>G (p.Tyr857Cys)

Gene: TSC2 (TSC complex subunit 2; plus strand). Cytogenetic location: 16p13.3.
Variant type: single nucleotide variant.
Coding change: c.2570A>G on transcript NM_000548.5 (MANE Select); coding-DNA position 2570, A replaced by G.
Protein change: p.Tyr857Cys; replaces tyrosine 857 with cysteine.
Molecular consequence: missense variant.
Genome position (GRCh38, 1-based): chr16:2,075,823, A>G. VCF-style: chr16-2075823-A-G. GRCh37 (hg19) VCF-style: chr16-2125824-A-G.
Other names: c.2570A>G, p.Tyr857Cys (NM_001077183.3, NM_001114382.3, NM_001363528.2 and 3 more transcripts); c.2459A>G, p.Tyr820Cys (NM_001318827.2); c.2423A>G, p.Tyr808Cys (NM_001318829.2); c.1970A>G, p.Tyr657Cys (NM_001318831.2); c.2603A>G, p.Tyr868Cys (NM_001318832.2); short protein forms Y857C, Y657C, Y820C, Y868C, Y808C.
Identifiers: ClinVar variation 237996 (VCV000237996.56), dbSNP rs878854084, ClinGen allele CA10583311.

ClinVar aggregate classification (germline): Conflicting classifications of pathogenicity. Review status: criteria provided, conflicting classifications (1 of 4 stars). 4 submissions from 4 submitters: Uncertain significance (2); Likely benign (2). Last evaluated 2026-07-02.

Conditions:
Hereditary cancer-predisposing syndrome. Also called: Tumor predisposition; Hereditary Cancer Syndrome; Neoplastic Syndromes, Hereditary; Hereditary neoplastic syndrome. Identifiers: Orphanet 140162, MedGen C0027672, MeSH D009386, MONDO:0015356.
Tuberous sclerosis 2 (TSC2). Identifiers: Orphanet 805, MedGen C1860707, MONDO:0013199, OMIM 613254.

gnomAD v4.1: 5 of 1,612,956 alleles (0.00031%); highest among the groups gnomAD compares: Non-Finnish European, 0.00034%; no homozygotes.

Submissions (4):

Ambry Genetics
Classification: Uncertain significance for Hereditary cancer-predisposing syndrome. Last evaluated: 2026-07-02. Review status: criteria provided, single submitter. Criteria: Ambry Variant Classification Scheme 2023. Collection method: clinical testing. Allele origin: germline.
Comment: The p.Y857C variant (also known as c.2570A>G), located in coding exon 22 of the TSC2 gene, results from an A to G substitution at nucleotide position 2570. The tyrosine at codon 857 is replaced by cysteine, an amino acid with highly dissimilar properties. This variant was detected as heterozygous in individual(s) with no reported features of tuberous sclerosis complex (Ambry internal data). This amino acid position is highly conserved in available vertebrate species. In addition, this alteration is predicted to be deleterious by in silico analysis. Based on the available evidence, the clinical significance of this variant remains unclear.

Labcorp Genetics (formerly Invitae), Labcorp
Classification: Likely benign for Tuberous sclerosis 2. Last evaluated: 2026-01-17. Review status: criteria provided, single submitter. Criteria: Invitae Variant Classification Sherloc (09022015). Collection method: clinical testing. Allele origin: germline.

Genome-Nilou Lab
Classification: Likely benign for Tuberous sclerosis 2. Last evaluated: 2021-11-07. Review status: criteria provided, single submitter. Criteria: ACMG Guidelines, 2015. Collection method: clinical testing. Allele origin: germline. Affected: no.

CeGaT Center for Human Genetics Tuebingen
Classification: Uncertain significance. Last evaluated: 2019-07-01. Review status: criteria provided, single submitter. Criteria: CeGaT Center For Human Genetics Tuebingen Variant Classification Criteria Version 2. Collection method: clinical testing. Allele origin: germline. Affected: yes. Observed: 1 variant allele.